The following is an entry in ClinVar:

ClinVar aggregate classification (germline): Conflicting classifications of pathogenicity. Review status: criteria provided, conflicting classifications (1 of 4 stars). 3 submissions from 3 submitters: Likely pathogenic (2); Uncertain significance (1). Last evaluated 2024-06-24.

Conditions:
Tatton-Brown-Rahman overgrowth syndrome. Also called: Tatton-Brown-Rahman syndrome; Tall stature-intellectual disability-facial dysmorphism syndrome. Identifiers: Orphanet 404443, MedGen C4014545, MONDO:0014382, OMIM 615879.

Allele frequency attached by ClinVar (database versions not stated): ExAC 0.00003.

Submissions (3):

Labcorp Genetics (formerly Invitae), Labcorp
Classification: Likely pathogenic for Tatton-Brown-Rahman overgrowth syndrome. Last evaluated: 2024-06-24. Review status: criteria provided, single submitter. Criteria: Invitae Variant Classification Sherloc (09022015). Collection method: clinical testing. Allele origin: germline.
Comment: This sequence change affects a donor splice site in intron 7 of the DNMT3A gene. It is expected to disrupt RNA splicing. Variants that disrupt the donor or acceptor splice site typically lead to a loss of protein function (PMID: 16199547), and loss-of-function variants in DNMT3A are known to be pathogenic (PMID: 24614070). The frequency data for this variant in the population databases is considered unreliable, as metrics indicate poor data quality at this position in the gnomAD database. This variant has not been reported in the literature in individuals affected with DNMT3A-related conditions. ClinVar contains an entry for this variant (Variation ID: 1285593). Algorithms developed to predict the effect of sequence changes on RNA splicing suggest that this variant may disrupt the consensus splice site. In summary, the currently available evidence indicates that the variant is pathogenic, but additional data are needed to prove that conclusively. Therefore, this variant has been classified as Likely Pathogenic.

Blueprint Genetics
Classification: Uncertain significance. Last evaluated: 2024-06-17. Review status: criteria provided, single submitter. Criteria: ACMG Guidelines, 2015. Collection method: clinical testing. Allele origin: germline.

Institute of Human Genetics, University of Leipzig Medical Center
Classification: Likely pathogenic for Tatton-Brown-Rahman overgrowth syndrome. Last evaluated: 2020-09-24. Review status: criteria provided, single submitter. Criteria: ACMG Guidelines, 2015. Collection method: clinical testing. Allele origin: de novo. Affected: yes.

Literature cited by the submitters: PubMed 16199547 (cited by Labcorp Genetics (formerly Invitae), Labcorp); PubMed 24614070 (cited by Labcorp Genetics (formerly Invitae), Labcorp).

NM_022552.5(DNMT3A):c.855+1G>A

Gene: DNMT3A (DNA methyltransferase 3 alpha; minus strand). Cytogenetic location: 2p23.3.
Variant type: single nucleotide variant.
Coding change: c.855+1G>A on transcript NM_022552.5 (MANE Select); the canonical splice donor site of the intron after coding-DNA position 855, G replaced by A.
Molecular consequence: splice donor variant.
Genome position (GRCh38, 1-based): chr2:25,248,036, C>T on the plus strand (G>A on the coding strand, the complement: DNMT3A is on the minus strand). VCF-style: chr2-25248036-C-T. GRCh37 (hg19) VCF-style: chr2-25470905-C-T.
Other names: c.855+1G>A (NM_175629.2); c.288+1G>A (NM_153759.3); c.399+1G>A (NM_001320893.1); c.186+1G>A (NM_001375819.1).
Identifiers: ClinVar variation 1285593 (VCV001285593.7), dbSNP rs772041639, ClinGen allele CA1556282.
Genomic context (GRCh38, chr2:25,248,036, plus strand): 5'-GGAGCTGGCAGTGGAAGGCCCCCGGAAAGAGCTGGCCACGGCTGGTGAAGAAGCCGCTCA[C>T]CTCGTACTCTGGCTCGTCATCGCCTGCTTTGGTGGCATTCTTGTCCCCAGCATCGGACCC-3'